The following is an entry in ClinVar:

NM_000090.4(COL3A1):c.275C>T (p.Pro92Leu)

Gene: COL3A1 (collagen type III alpha 1 chain; plus strand). Cytogenetic location: 2q32.2.
Variant type: single nucleotide variant.
Coding change: c.275C>T on transcript NM_000090.4 (MANE Select); coding-DNA position 275, C replaced by T.
Protein change: p.Pro92Leu; replaces proline 92 with leucine.
Molecular consequence: missense variant.
Genome position (GRCh38, 1-based): chr2:188,984,955, C>T. VCF-style: chr2-188984955-C-T. GRCh37 (hg19) VCF-style: chr2-189849681-C-T.
Other names: c.275C>T (NM_000090.3); short protein forms P92L.
Identifiers: ClinVar variation 1384290 (VCV001384290.9), dbSNP rs368889070, ClinGen allele CA075585.

ClinVar aggregate classification (germline): Conflicting classifications of pathogenicity. Review status: criteria provided, conflicting classifications (1 of 4 stars). 3 submissions from 3 submitters: Uncertain significance (2); Likely benign (1). Last evaluated 2026-05-14.

Conditions:
Familial thoracic aortic aneurysm and aortic dissection (TAAD). Also called: Thoracic aortic aneurysms and dissections. Identifiers: Orphanet 91387, MedGen C4707243, MONDO:0019625.
Ehlers-Danlos syndrome, type 4 (EDSVASC). Also called: Ehlers-Danlos syndrome vascular type; Ehlers Danlos syndrome, ecchymotic type; Ehlers Danlos syndrome, arterial type; Ehlers Danlos syndrome, Sack-Barabas type; Ehlers-Danlos Syndrome Type IV. Identifiers: Orphanet 286, MedGen C0268338, MONDO:0017314, OMIM 130050.

Allele frequency attached by ClinVar (database versions not stated): gnomAD 0.00001; TOPMed 0.00001; ESP Exome Variant Server 0.00008; ExAC 0.00001.

Submissions (3):

Ambry Genetics
Classification: Uncertain significance for Familial thoracic aortic aneurysm and aortic dissection. Last evaluated: 2026-05-14. Review status: criteria provided, single submitter. Criteria: Ambry Variant Classification Scheme 2023. Collection method: clinical testing. Allele origin: germline.
Comment: The p.P92L variant (also known as c.275C>T), located in coding exon 2 of the COL3A1 gene, results from a C to T substitution at nucleotide position 275. The proline at codon 92 is replaced by leucine, an amino acid with similar properties. This amino acid position is conserved. In addition, this alteration is predicted to be tolerated by in silico analysis. Based on the available evidence, the clinical significance of this variant remains unclear.

Color Diagnostics, LLC DBA Color Health
Classification: Likely benign for Familial thoracic aortic aneurysm and aortic dissection. Last evaluated: 2025-08-20. Review status: criteria provided, single submitter. Criteria: ACMG Guidelines, 2015. Collection method: clinical testing. Allele origin: germline.

Labcorp Genetics (formerly Invitae), Labcorp
Classification: Uncertain significance for Ehlers-Danlos syndrome, type 4. Last evaluated: 2024-05-02. Review status: criteria provided, single submitter. Criteria: Invitae Variant Classification Sherloc (09022015). Collection method: clinical testing. Allele origin: germline.
Comment: This sequence change replaces proline, which is neutral and non-polar, with leucine, which is neutral and non-polar, at codon 92 of the COL3A1 protein (p.Pro92Leu). This variant is not present in population databases (gnomAD no frequency). This variant has not been reported in the literature in individuals affected with COL3A1-related conditions. ClinVar contains an entry for this variant (Variation ID: 1384290). Advanced modeling of protein sequence and biophysical properties (such as structural, functional, and spatial information, amino acid conservation, physicochemical variation, residue mobility, and thermodynamic stability) performed at Invitae indicates that this missense variant is not expected to disrupt COL3A1 protein function with a negative predictive value of 95%. In summary, the available evidence is currently insufficient to determine the role of this variant in disease. Therefore, it has been classified as a Variant of Uncertain Significance.